The following is an entry in ClinVar:

NM_001130438.3(SPTAN1):c.4785G>A (p.Gln1595=)

Gene: SPTAN1 (spectrin alpha, non-erythrocytic 1; plus strand). Cytogenetic location: 9q34.11.
Variant type: single nucleotide variant.
Coding change: c.4785G>A on transcript NM_001130438.3 (MANE Select); coding-DNA position 4785, G replaced by A.
Protein change: p.Gln1595=; no amino-acid change (glutamine 1595 retained).
Molecular consequence: synonymous variant.
Genome position (GRCh38, 1-based): chr9:128,611,725, G>A. VCF-style: chr9-128611725-G-A. GRCh37 (hg19) VCF-style: chr9-131374004-G-A.
Other names: c.4710G>A, p.Gln1570= (NM_001195532.2); c.4785G>A, p.Gln1595= (NM_001363759.2); c.4725G>A, p.Gln1575= (NM_001363765.2); c.4770G>A, p.Gln1590= (NM_003127.4).
Identifiers: ClinVar variation 387800 (VCV000387800.16), dbSNP rs746824729, ClinGen allele CA5265304.

ClinVar aggregate classification (germline): Conflicting classifications of pathogenicity. Review status: criteria provided, conflicting classifications (1 of 4 stars). 5 submissions from 5 submitters: Uncertain significance (1); Benign (1); Likely benign (3). Last evaluated 2025-03-20.

Conditions:
Developmental and epileptic encephalopathy, 5 (DEE5). Identifiers: Orphanet 3451, MedGen C3150731, MONDO:0013277, OMIM 613477.
Inborn genetic diseases. Identifiers: MedGen C0950123, MeSH D030342.
Early-infantile DEE. Also called: Early infantile epileptic encephalopathy with suppression bursts; Early infantile epileptic encephalopathy; Ohtahara syndrome. Identifiers: Orphanet 1934, MedGen C0393706, MONDO:0800491.

Allele frequency attached by ClinVar (database versions not stated): gnomAD 0.00001 and 0.00002; TOPMed 0.00002; gnomAD exomes 0.00004; ExAC 0.00006.
gnomAD v4.1: 52 of 1,613,994 alleles (0.0032%); highest among the groups gnomAD compares: East Asian, 0.12%; no homozygotes.

Submissions (5):

Labcorp Genetics (formerly Invitae), Labcorp
Classification: Likely benign for Early-infantile DEE. Last evaluated: 2025-03-20. Review status: criteria provided, single submitter. Criteria: Invitae Variant Classification Sherloc (09022015). Collection method: clinical testing. Allele origin: germline.

Genome-Nilou Lab
Classification: Benign for Developmental and epileptic encephalopathy, 5. Last evaluated: 2021-07-15. Review status: criteria provided, single submitter. Criteria: ACMG Guidelines, 2015. Collection method: clinical testing. Allele origin: germline. Affected: no.

Center for Genomics, Ann and Robert H. Lurie Children's Hospital of Chicago
Classification: Uncertain significance for Developmental and epileptic encephalopathy, 5. Last evaluated: 2021-03-30. Review status: criteria provided, single submitter. Criteria: ACMG Guidelines, 2015. Collection method: clinical testing. Allele origin: germline.
Comment: SPTAN1 NM_001130438.2 exon 38 p.Gln1595= (c.4785G>A): This variant has not been reported in the literature and is present in 0.05% (11/19946) of East Asian alleles in the Genome Aggregation Database. This variant is present in ClinVar (Variation ID:387800). Evolutionary conservation and computational predictive tools for this variant are limited or unavailable. Of note, this variant is a silent variant and does not change the amino acid, reducing the probability that this variant is disease causing. In summary, data on this variant is insufficient for disease classification. Therefore, the clinical significance of this variant is uncertain.

Ambry Genetics
Classification: Likely benign for Inborn genetic diseases. Last evaluated: 2017-07-12. Review status: criteria provided, single submitter. Criteria: Ambry Variant Classification Scheme 2023. Collection method: clinical testing. Allele origin: germline.

GeneDx
Classification: Likely benign. Last evaluated: 2016-07-18. Review status: criteria provided, single submitter. Criteria: GeneDx Variant Classification (06012015). Collection method: clinical testing. Allele origin: germline. Affected: yes.
Comment: This variant is considered likely benign or benign based on one or more of the following criteria: it is a conservative change, it occurs at a poorly conserved position in the protein, it is predicted to be benign by multiple in silico algorithms, and/or has population frequency not consistent with disease.